The following is an entry in ClinVar:

ClinVar aggregate classification (germline): Uncertain significance (1 of 4 stars; one submission).

Allele frequency attached by ClinVar (database versions not stated): gnomAD 0.00001.

Submission:

Labcorp Genetics (formerly Invitae), Labcorp
Classification: Uncertain significance. Last evaluated: 2023-11-27. Review status: criteria provided, single submitter. Criteria: Invitae Variant Classification Sherloc (09022015). Collection method: clinical testing. Allele origin: germline.
Comment: This sequence change replaces glycine, which is neutral and non-polar, with alanine, which is neutral and non-polar, at codon 347 of the DLL3 protein (p.Gly347Ala). This variant is not present in population databases (gnomAD no frequency). This variant has not been reported in the literature in individuals affected with DLL3-related conditions. ClinVar contains an entry for this variant (Variation ID: 1450981). An algorithm developed to predict the effect of missense changes on protein structure and function (PolyPhen-2) suggests that this variant is likely to be disruptive. In summary, the available evidence is currently insufficient to determine the role of this variant in disease. Therefore, it has been classified as a Variant of Uncertain Significance.

NM_203486.3(DLL3):c.1040G>C (p.Gly347Ala)

Gene: DLL3 (delta like canonical Notch ligand 3; plus strand). Cytogenetic location: 19q13.2.
Variant type: single nucleotide variant.
Coding change: c.1040G>C on transcript NM_203486.3 (MANE Select); coding-DNA position 1040, G replaced by C.
Protein change: p.Gly347Ala; replaces glycine 347 with alanine.
Molecular consequence: missense variant.
Genome position (GRCh38, 1-based): chr19:39,505,398, G>C. VCF-style: chr19-39505398-G-C. GRCh37 (hg19) VCF-style: chr19-39996038-G-C.
Other names: c.1040G>C, p.Gly347Ala (NM_016941.4); short protein forms G347A.
Identifiers: ClinVar variation 1450981 (VCV001450981.6), dbSNP rs762332887, ClinGen allele CA405799251.
Genomic context (GRCh38, chr19:39,505,398, plus strand): 5'-GTGTCGGGGGTGCAGACCCTGACTCTGCCTACATCTGCCACTGCCCACCCGGTTTCCAAG[G>C]CTCCAACTGTGAGAAGAGGGTGGACCGGTGCAGCCTGCAGCCATGCCGCAATGGTGAGGC-3'
Protein context (NP_982353.1, residues 337-357): YICHCPPGFQ[Gly347Ala]SNCEKRVDRC